The following is an entry in ClinVar:

NM_000219.6(KCNE1):c.234C>G (p.Phe78Leu)

Gene: KCNE1 (potassium voltage-gated channel subfamily E regulatory subunit 1; minus strand). Cytogenetic location: 21q22.12.
Variant type: single nucleotide variant.
Coding change: c.234C>G on transcript NM_000219.6 (MANE Select); coding-DNA position 234, C replaced by G.
Protein change: p.Phe78Leu; replaces phenylalanine 78 with leucine.
Molecular consequence: missense variant.
Genome position (GRCh38, 1-based): chr21:34,449,401, G>C on the plus strand (C>G on the coding strand, the complement: KCNE1 is on the minus strand). VCF-style: chr21-34449401-G-C. GRCh37 (hg19) VCF-style: chr21-35821699-G-C.
Other names: c.234C>G, p.Phe78Leu (NM_001127668.4, NM_001127669.4, NM_001127670.4 and 4 more transcripts); short protein forms F78L.
Identifiers: ClinVar variation 3374398 (VCV003374398.3).
Genomic context (GRCh38, chr21:34,449,401, plus strand): 5'-CCGGGCCTGGACATAGGCCTTGTCCTTCTCTTGCCAGGCATCGGACTCGATGTAGACGTT[G>C]AATGGGTCGTTCGAGTGCTCCAGCTTCTTGGAGCGGATGTAGCTCAGCATGATGCCCAGG-3'
Protein context (NP_000210.2, residues 68-88): SKKLEHSNDP[Phe78Leu]NVYIESDAWQ

ClinVar aggregate classification (germline): Uncertain significance (1 of 4 stars; one submission).

Conditions:
Long QT syndrome (LQTS). Identifiers: MedGen C0023976, MeSH D008133, MONDO:0002442. Disease mechanism: loss of function. Inheritance: Various modes of inheritance.

Submissions (2):

Labcorp Genetics (formerly Invitae), Labcorp
Classification: Uncertain significance for Long QT syndrome. Last evaluated: 2026-01-11. Review status: criteria provided, single submitter. Criteria: Invitae Variant Classification Sherloc (09022015). Collection method: clinical testing. Allele origin: germline.
Comment: This sequence change replaces phenylalanine, which is neutral and non-polar, with leucine, which is neutral and non-polar, at codon 78 of the KCNE1 protein (p.Phe78Leu). This variant is not present in population databases (gnomAD no frequency). This variant has not been reported in the literature in individuals affected with KCNE1-related conditions. ClinVar contains an entry for this variant (Variation ID: 3374398). Invitae Evidence Modeling of protein sequence and biophysical properties (such as structural, functional, and spatial information, amino acid conservation, physicochemical variation, residue mobility, and thermodynamic stability) has been performed for this missense variant. However, the output from this modeling did not meet the statistical confidence thresholds required to predict the impact of this variant on KCNE1 protein function. In summary, the available evidence is currently insufficient to determine the role of this variant in disease. Therefore, it has been classified as a Variant of Uncertain Significance.

Roden Lab, Vanderbilt University Medical Center
No classification provided (evidence only). Condition: Long QT syndrome 5. Review status: no classification provided. Collection method: in vitro. Allele origin: not applicable. Functional consequence: Effect on ion channel function. Not counted in ClinVar's aggregate classification.
ClinVar note: "not provided" was previously submitted as the classification for the variant. However, the classification appeared to be based only on an observation of functional data so it was converted to no classification on 2025-07-30.